The following is an entry in ClinVar:

ClinVar aggregate classification (germline): Likely pathogenic. Review status: criteria provided, multiple submitters, no conflicts (2 of 4 stars). 2 submissions from 2 submitters: Likely pathogenic (2). Last evaluated 2025-01-21.

Conditions:
DARS2-related disorder. Also called: DARS2-related condition.
Leukoencephalopathy with brain stem and spinal cord involvement-high lactate syndrome (LBSL). Also called: LEUKOENCEPHALOPATHY WITH BRAINSTEM AND SPINAL CORD INVOLVEMENT AND LACTATE ELEVATION, MILD; MITOCHONDRIAL ASPARTYL-tRNA SYNTHETASE DEFICIENCY; Leukoencephalopathy with Brainstem and Spinal Cord Involvement and Lactate Elevation. Identifiers: Orphanet 137898, MedGen C1970180, MONDO:0012622, OMIM 611105.

Submissions (2):

Broad Center for Mendelian Genomics, Broad Institute of MIT and Harvard
Classification: Likely pathogenic for Leukoencephalopathy with brain stem and spinal cord involvement-high lactate syndrome. Last evaluated: 2025-01-21. Review status: criteria provided, single submitter. Criteria: ACMG Guidelines, 2015. Collection method: curation. Allele origin: germline. Inheritance: Autosomal recessive inheritance.
Comment: The p.Arg274SerfsTer9 variant has been reported in 1 individual with leukoencephalopathy with brain stem and spinal cord involvement-high lactate syndrome (PMID: 23065766), and has been identified in 0.0009% (11/1179584) of European (non-Finnish) chromosomes by the Genome Aggregation Database (gnomAD; dbSNP rs1267268601). Although this variant has been seen in the general population in a heterozygous state, its frequency is low enough to be consistent with a recessive carrier frequency. This variant is predicted to cause a frameshift, which alters the protein's amino acid sequence beginning at position 274 and leads to a premature termination codon 9 amino acids downstream. This alteration is then predicted to lead to a truncated or absent protein. Loss of function of the DARS2 gene is an established disease mechanism in autosomal recessive leukoencephalopathy with brain stem and spinal cord involvement-high lactate syndrome. In summary, although additional studies are required to fully establish its clinical significance, this variant is likely pathogenic for autosomal recessive leukoencephalopathy with brain stem and spinal cord involvement-high lactate syndrome. ACMG/AMP Criteria applied: PVS1, PM2_supporting (Richards 2015).

Blueprint Genetics
Classification: Likely pathogenic for DARS2-related disorders. Last evaluated: 2023-02-13. Review status: criteria provided, single submitter. Criteria: ACMG Guidelines, 2015. Collection method: clinical testing. Allele origin: germline. Affected: yes. Observed: 5 variant alleles.

NM_018122.5(DARS2):c.822_825del (p.Arg274fs)

Gene: DARS2 (aspartyl-tRNA synthetase 2, mitochondrial; plus strand). Cytogenetic location: 1q25.1.
Variant type: Microsatellite.
Coding change: c.822_825del on transcript NM_018122.5 (MANE Select); coding-DNA positions 822 to 825, 4 bases deleted (ACAG; older notation c.822_825delACAG).
Protein change: p.Arg274fs; shifts the reading frame from arginine 274.
Molecular consequence: frameshift variant.
Genome position (GRCh38, 1-based): chr1:173,838,241-173,838,244, ACAG deleted; deleting any 4 consecutive bases within chr1:173,838,234-173,838,244 gives the same sequence; the c. name uses the placement nearest the transcript's 3' end. VCF-style (leftmost placement, unchanged base first): chr1-173838233-CCAGA-C. GRCh37 (hg19) VCF-style: chr1-173807371-CCAGA-C.
Other names: NM_001365213.2:c.822_825del; c.822_825del, p.Arg274fs (NM_001365212.1, NM_001365213.2); short protein forms R274fs.
Identifiers: ClinVar variation 3776820 (VCV003776820.2).